The following is an entry in ClinVar:

ClinVar aggregate classification (germline): Conflicting classifications of pathogenicity. Review status: criteria provided, conflicting classifications (1 of 4 stars). 2 submissions from 2 submitters: Likely pathogenic (1); Uncertain significance (1). Last evaluated 2025-07-12.

Submissions (2):

GeneDx
Classification: Likely pathogenic. Last evaluated: 2025-07-12. Review status: criteria provided, single submitter. Criteria: GeneDx Variant Classification Process June 2021. Collection method: clinical testing. Allele origin: germline. Affected: yes.
Comment: Not observed at significant frequency in large population cohorts (gnomAD); In silico analysis supports that this missense variant has a deleterious effect on protein structure/function; This variant is associated with the following publications: (PMID: Marino2012[Abstract], 28228528, Chaudhry2017[Abstract])

Women's Health and Genetics/Laboratory Corporation of America, LabCorp
Classification: Uncertain significance. Last evaluated: 2025-05-29. Review status: criteria provided, single submitter. Criteria: LabCorp Variant Classification Summary - May 2015. Collection method: clinical testing. Allele origin: germline.
Comment: Variant summary: CYP11B1 c.1357C>T (p.Arg453Trp) results in a non-conservative amino acid change in the encoded protein sequence. Algorithms developed to predict the effect of missense changes on protein structure and function are either unavailable or do not agree on the potential impact of this missense change. The variant was absent in 251264 control chromosomes. c.1357C>T has been observed in compound heterozygous individuals affected with Congenital Adrenal Hyperplasia, in some cases in the presence of multiple variants without phase reported (e.g. Khattab_2017). These data do not allow any conclusion about variant significance. A different variant affecting the same codon has been classified as likely pathogenic/pathogenic by our lab (c.1358G>A, p.Arg453Gln), supporting the critical relevance of codon 453 to CYP11B1 protein function. To our knowledge, no experimental evidence demonstrating an impact on protein function has been reported. No submitters have cited clinical-significance assessments for this variant to ClinVar. Based on the evidence outlined above, the variant was classified as VUS-possibly pathogenic.

Literature cited by the submitters: PubMed 28228528 (cited by Women's Health and Genetics/Laboratory Corporation of America, LabCorp).

NM_000497.4(CYP11B1):c.1357C>T (p.Arg453Trp)

Genes: CYP11B1 (cytochrome P450 family 11 subfamily B member 1; minus strand), LOC106799833 (CYP11B1 recombination region; plus strand). Cytogenetic location: 8q24.3.
Variant type: single nucleotide variant.
Coding change: c.1357C>T on transcript NM_000497.4 (MANE Select); coding-DNA position 1357, C replaced by T.
Protein change: p.Arg453Trp; replaces arginine 453 with tryptophan.
Molecular consequence: missense variant. On other transcripts: intron variant (1).
Genome position (GRCh38, 1-based): chr8:142,874,998, G>A on the plus strand (C>T on the coding strand, the complement: CYP11B1 is on the minus strand). VCF-style: chr8-142874998-G-A. GRCh37 (hg19) VCF-style: chr8-143956414-G-A.
Other names: c.1357C>T (NM_000497.3); c.1200+236C>T (NM_001026213.1); short protein forms R453W.
Identifiers: ClinVar variation 3902459 (VCV003902459.2).